The following is an entry in ClinVar:

ClinVar aggregate classification (germline): Uncertain significance (1 of 4 stars; one submission).

Submission:

Laboratory for Molecular Medicine, Mass General Brigham Personalized Medicine
Classification: Uncertain significance. Last evaluated: 2014-04-02. Review status: criteria provided, single submitter. Criteria: LMM Criteria. Collection method: clinical testing. Allele origin: germline. Observed: 1 variant allele.
Comment: The Ile17065Val variant in TTN has not been previously reported in individuals w ith cardiomyopathy or in large population studies. Computational prediction tool s and conservation analysis do not provide strong support for or against an impa ct to the protein. Additional information is needed to fully assess the clinical significance of the Ile17065Val variant.

NM_001267550.2(TTN):c.58897A>G (p.Ile19633Val)

Genes: TTN (titin; minus strand), TTN-AS1 (TTN antisense RNA 1; plus strand). Cytogenetic location: 2q31.2.
Variant type: single nucleotide variant.
Coding change: c.58897A>G on transcript NM_001267550.2 (MANE Select); coding-DNA position 58897, A replaced by G.
Protein change: p.Ile19633Val; replaces isoleucine 19633 with valine.
Molecular consequence: missense variant.
Genome position (GRCh38, 1-based): chr2:178,593,311, T>C on the plus strand (A>G on the coding strand, the complement: TTN is on the minus strand). VCF-style: chr2-178593311-T-C. GRCh37 (hg19) VCF-style: chr2-179458038-T-C.
Other names: c.51193A>G, p.Ile17065Val (NM_133378.4); c.53974A>G, p.Ile17992Val (NM_001256850.1); c.31702A>G, p.Ile10568Val (NM_003319.4); c.32077A>G, p.Ile10693Val (NM_133432.3); c.32278A>G, p.Ile10760Val (NM_133437.4); short protein forms I17065V, I19633V, I10568V, I10693V, I10760V, I17992V.
Identifiers: ClinVar variation 179658 (VCV000179658.5), dbSNP rs727505028, ClinGen allele CA184859.
Genomic context (GRCh38, chr2:178,593,311, plus strand): 5'-GGAATTCATACTGACATCCTTCTAGAAGATCAGGAACCCTAAATTTAGTGTATGGATGAA[T>C]AGGATCTTTGGTAACTCTAGCCCATCGTTTAGACATAGTTTCTCTCTTTTCCAGGATGTA-3'
Protein context (NP_001254479.2, residues 19623-19643): KRWARVTKDP[Ile19633Val]HPYTKFRVPD